The following is an entry in ClinVar:

ClinVar aggregate classification (germline): Uncertain significance (1 of 4 stars; one submission).

Conditions:
Early-onset Parkinson disease 20. Also called: PARKINSON DISEASE 20, AUTOSOMAL RECESSIVE EARLY-ONSET. Identifiers: Orphanet 391411, MedGen C3809824, MONDO:0014233, OMIM 615530.
Developmental and epileptic encephalopathy, 53. Also called: Epileptic encephalopathy, early infantile, 53. Identifiers: MedGen C4479313, MONDO:0033362, OMIM 617389.

Allele frequency attached by ClinVar (database versions not stated): ExAC 0.00001.
gnomAD v4.1: 34 of 1,614,198 alleles (0.0021%); highest among the groups gnomAD compares: Non-Finnish European, 0.0028%; no homozygotes.

Submission:

Labcorp Genetics (formerly Invitae), Labcorp
Classification: Uncertain significance for Developmental and epileptic encephalopathy, 53; Early-onset Parkinson disease 20. Last evaluated: 2024-10-28. Review status: criteria provided, single submitter. Criteria: Invitae Variant Classification Sherloc (09022015). Collection method: clinical testing. Allele origin: germline.
Comment: This sequence change replaces serine, which is neutral and polar, with arginine, which is basic and polar, at codon 1548 of the SYNJ1 protein (p.Ser1548Arg). This variant is present in population databases (rs769954720, gnomAD no frequency). This variant has not been reported in the literature in individuals affected with SYNJ1-related conditions. ClinVar contains an entry for this variant (Variation ID: 956367). An algorithm developed to predict the effect of missense changes on protein structure and function outputs the following: PolyPhen-2: "Benign". The arginine amino acid residue is found in multiple mammalian species, which suggests that this missense change does not adversely affect protein function. In summary, the available evidence is currently insufficient to determine the role of this variant in disease. Therefore, it has been classified as a Variant of Uncertain Significance.

NM_203446.3(SYNJ1):c.*613A>C

Gene: SYNJ1 (synaptojanin 1; minus strand). Cytogenetic location: 21q22.11.
Variant type: single nucleotide variant.
Coding change: c.*613A>C on transcript NM_203446.3 (MANE Select); 613 bases downstream of the stop codon, A replaced by C.
Molecular consequence: 3 prime UTR variant. On other transcripts: missense variant (2).
Genome position (GRCh38, 1-based): chr21:32,631,192, T>G on the plus strand (A>C on the coding strand, the complement: SYNJ1 is on the minus strand). VCF-style: chr21-32631192-T-G. GRCh37 (hg19) VCF-style: chr21-34003502-T-G.
Other names: c.*613A>C (NM_001160302.2); c.4384A>C, p.Ser1462Arg (NM_001160306.2); c.4642A>C, p.Ser1548Arg (NM_003895.4); short protein forms S1462R, S1548R.
Identifiers: ClinVar variation 956367 (VCV000956367.10), dbSNP rs769954720, ClinGen allele CA10003076.